The following is an entry in ClinVar:

NM_001136191.3(KANK2):c.398G>A (p.Arg133His)

Gene: KANK2 (KN motif and ankyrin repeat domains 2; minus strand). Cytogenetic location: 19p13.2.
Variant type: single nucleotide variant.
Coding change: c.398G>A on transcript NM_001136191.3 (MANE Select); coding-DNA position 398, G replaced by A.
Protein change: p.Arg133His; replaces arginine 133 with histidine.
Molecular consequence: missense variant.
Genome position (GRCh38, 1-based): chr19:11,193,682, C>T on the plus strand (G>A on the coding strand, the complement: KANK2 is on the minus strand). VCF-style: chr19-11193682-C-T. GRCh37 (hg19) VCF-style: chr19-11304358-C-T.
Other names: c.398G>A, p.Arg133His (NM_001329451.2, NM_001379548.1, NM_001379549.1 and 15 more transcripts); short protein forms R133H.
Identifiers: ClinVar variation 2518762 (VCV002518762.6), dbSNP rs777666066, ClinGen allele CA9206079.

ClinVar aggregate classification (germline): Uncertain significance. Review status: criteria provided, multiple submitters, no conflicts (2 of 4 stars). 2 submissions from 2 submitters: Uncertain significance (2). Last evaluated 2025-08-30.

Allele frequency attached by ClinVar (database versions not stated): gnomAD 0.00004; TOPMed 0.00002; ExAC 0.00003.
gnomAD v4.1: 73 of 1,607,072 alleles (0.0045%); highest among the groups gnomAD compares: African/African-American, 0.0094%; no homozygotes.

Submissions (2):

Ambry Genetics
Classification: Uncertain significance. Last evaluated: 2025-08-30. Review status: criteria provided, single submitter. Criteria: Ambry Variant Classification Scheme 2023. Collection method: clinical testing. Allele origin: germline.

Labcorp Genetics (formerly Invitae), Labcorp
Classification: Uncertain significance. Last evaluated: 2025-06-12. Review status: criteria provided, single submitter. Criteria: Invitae Variant Classification Sherloc (09022015). Collection method: clinical testing. Allele origin: germline.
Comment: This sequence change replaces arginine, which is basic and polar, with histidine, which is basic and polar, at codon 133 of the KANK2 protein (p.Arg133His). This variant is present in population databases (rs777666066, gnomAD 0.009%). This variant has not been reported in the literature in individuals affected with KANK2-related conditions. ClinVar contains an entry for this variant (Variation ID: 2518762). An algorithm developed to predict the effect of missense changes on protein structure and function (PolyPhen-2) suggests that this variant is likely to be disruptive. In summary, the available evidence is currently insufficient to determine the role of this variant in disease. Therefore, it has been classified as a Variant of Uncertain Significance.